The following is an entry in ClinVar:

NM_000540.3(RYR1):c.6500T>G (p.Ile2167Ser)

Gene: RYR1 (ryanodine receptor 1; plus strand). Cytogenetic location: 19q13.2.
Variant type: single nucleotide variant.
Coding change: c.6500T>G on transcript NM_000540.3 (MANE Select); coding-DNA position 6500, T replaced by G.
Protein change: p.Ile2167Ser; replaces isoleucine 2167 with serine.
Molecular consequence: missense variant.
Genome position (GRCh38, 1-based): chr19:38,494,577, T>G. VCF-style: chr19-38494577-T-G. GRCh37 (hg19) VCF-style: chr19-38985217-T-G.
Other names: c.6500T>G, p.Ile2167Ser (NM_001042723.2); short protein forms I2167S.
Identifiers: ClinVar variation 2444194 (VCV002444194.1), dbSNP rs2514276377, ClinGen allele CA405664331.
Genomic context (GRCh38, chr19:38,494,577, plus strand): 5'-CCTCCGTGGAAGACACCATGAGCCTGCTCGAGTGCCTCGGCCAGATCCGCTCGCTGCTCA[T>G]CGTGCAGATGGGCCCCCAGGAGGAGAACCTCATGATCCAGAGCATCGGGTGAGACACCGC-3'
Protein context (NP_000531.2, residues 2157-2177): ECLGQIRSLL[Ile2167Ser]VQMGPQEENL

ClinVar aggregate classification (germline): Likely pathogenic (1 of 4 stars; one submission).

Conditions:
King Denborough syndrome (KDS). Identifiers: MedGen C1840365, MONDO:0020485, OMIM 619542.

Submission:

3billion
Classification: Likely pathogenic for King Denborough syndrome. Last evaluated: 2023-02-23. Review status: criteria provided, single submitter. Criteria: ACMG Guidelines, 2015. Collection method: clinical testing. Allele origin: unknown. Affected: yes.
Comment: The variant is not observed in the gnomAD v2.1.1 dataset. The variant is located in a mutational hot spot and/or well-established functional domain in which established pathogenic variants have been reported (PMID: 33767344). In silico tool predictions suggest damaging effect of the variant on gene or gene product (3Cnet: 0.72). A different missense change at the same codon (p.Ile2167Met) has been reported to be associated with RYR1 related disorder (PMID: 32528171). Therefore, this variant is classified as Likely pathogenic according to the recommendation of ACMG/AMP guideline.

Literature cited by the submitters: PubMed 32528171; PubMed 33767344.